The following is an entry in ClinVar:

NM_000350.3(ABCA4):c.1937+3G>C

Gene: ABCA4 (ATP binding cassette subfamily A member 4; minus strand). Cytogenetic location: 1p22.1.
Variant type: single nucleotide variant.
Coding change: c.1937+3G>C on transcript NM_000350.3 (MANE Select); 3 bases into the intron after coding-DNA position 1937, G replaced by C.
Molecular consequence: intron variant.
Genome position (GRCh38, 1-based): chr1:94,062,574, C>G on the plus strand (G>C on the coding strand, the complement: ABCA4 is on the minus strand). VCF-style: chr1-94062574-C-G. GRCh37 (hg19) VCF-style: chr1-94528130-C-G.
Identifiers: ClinVar variation 1398441 (VCV001398441.6), dbSNP rs770529608, ClinGen allele CA2573132703.

ClinVar aggregate classification (germline): Uncertain significance (1 of 4 stars; one submission).

Submission:

Labcorp Genetics (formerly Invitae), Labcorp
Classification: Uncertain significance. Last evaluated: 2021-08-02. Review status: criteria provided, single submitter. Criteria: Invitae Variant Classification Sherloc (09022015). Collection method: clinical testing. Allele origin: germline.
Comment: This variant is not present in population databases (ExAC no frequency). In summary, the available evidence is currently insufficient to determine the role of this variant in disease. Therefore, it has been classified as a Variant of Uncertain Significance. Nucleotide substitutions within the consensus splice site are a relatively common cause of aberrant splicing (PMID: 17576681, 9536098). Algorithms developed to predict the effect of sequence changes on RNA splicing suggest that this variant may disrupt the consensus splice site. This variant has not been reported in the literature in individuals affected with ABCA4-related conditions. This sequence change falls in intron 13 of the ABCA4 gene. It does not directly change the encoded amino acid sequence of the ABCA4 protein. It affects a nucleotide within the consensus splice site of the intron.

Literature cited by the submitters: PubMed 17576681; PubMed 9536098.